The following is an entry in ClinVar:

ClinVar aggregate classification (germline): Likely benign (1 of 4 stars; one submission).

Submission:

CeGaT Center for Human Genetics Tuebingen
Classification: Likely benign. Last evaluated: 2025-01-01. Review status: criteria provided, single submitter. Criteria: CeGaT Center For Human Genetics Tuebingen Variant Classification Criteria Version 2. Collection method: clinical testing. Allele origin: germline. Affected: yes. Observed: 1 variant allele.
Comment: GRXCR1: PM2:Supporting, BP4, BP7

NM_001080476.3(GRXCR1):c.297T>C (p.Ile99=)

Gene: GRXCR1 (glutaredoxin and cysteine rich domain containing 1; plus strand). Cytogenetic location: 4p13.
Variant type: single nucleotide variant.
Coding change: c.297T>C on transcript NM_001080476.3 (MANE Select); coding-DNA position 297, T replaced by C.
Protein change: p.Ile99=; no amino-acid change (isoleucine 99 retained).
Molecular consequence: synonymous variant.
Genome position (GRCh38, 1-based): chr4:42,893,563, T>C. VCF-style: chr4-42893563-T-C. GRCh37 (hg19) VCF-style: chr4-42895580-T-C.
Identifiers: ClinVar variation 3772206 (VCV003772206.13).